The following is an entry in ClinVar:

NM_033109.5(PNPT1):c.1414G>C (p.Val472Leu)

Gene: PNPT1 (polyribonucleotide nucleotidyltransferase 1; minus strand). Cytogenetic location: 2p16.1.
Variant type: single nucleotide variant.
Coding change: c.1414G>C on transcript NM_033109.5 (MANE Select); coding-DNA position 1414, G replaced by C.
Protein change: p.Val472Leu; replaces valine 472 with leucine.
Molecular consequence: missense variant.
Genome position (GRCh38, 1-based): chr2:55,656,158, C>G on the plus strand (G>C on the coding strand, the complement: PNPT1 is on the minus strand). VCF-style: chr2-55656158-C-G. GRCh37 (hg19) VCF-style: chr2-55883293-C-G.
Other names: short protein forms V472L.
Identifiers: ClinVar variation 4881971 (VCV004881971.2).

ClinVar aggregate classification (germline): Uncertain significance (1 of 4 stars; one submission).

Submission:

Dasa
Classification: Uncertain significance. Last evaluated: 2025-05-13. Review status: criteria provided, single submitter. Criteria: DASA Assertion Criteria. Collection method: clinical testing. Allele origin: germline.
Comment: NM_033109.5(PNPT1):c.1414G>C (p.Val472Leu) is a missense variant that results in the substitution of valine with leucine. This variant is absent from population databases. Computational prediction algorithms are consistent with a benign effect. The currently available literature and clinical evidence are not sufficient to establish a definitive association between this variant and the reported condition. Therefore, this variant is classified as a variant of uncertain significance.